The following is an entry in ClinVar:

NM_004706.4(ARHGEF1):c.1415-4A>G

Gene: ARHGEF1 (Rho guanine nucleotide exchange factor 1; plus strand). Cytogenetic location: 19q13.2.
Variant type: single nucleotide variant.
Coding change: c.1415-4A>G on transcript NM_004706.4 (MANE Select); 4 bases into the intron before coding-DNA position 1415, A replaced by G.
Molecular consequence: intron variant.
Genome position (GRCh38, 1-based): chr19:41,902,270, A>G. VCF-style: chr19-41902270-A-G. GRCh37 (hg19) VCF-style: chr19-42406420-A-G.
Other names: c.1415-4A>G (NM_001396003.1, NM_001396006.1); c.1316-4A>G (NM_001396002.1, NM_198977.2, NM_001396004.1); c.1583-4A>G (NM_001396000.1); c.1460-4A>G (NM_199002.2).
Identifiers: ClinVar variation 2812214 (VCV002812214.3), dbSNP rs2513885052, ClinGen allele CA2739276845.

ClinVar aggregate classification (germline): Uncertain significance (1 of 4 stars; one submission).

Submission:

Labcorp Genetics (formerly Invitae), Labcorp
Classification: Uncertain significance. Last evaluated: 2022-11-17. Review status: criteria provided, single submitter. Criteria: Invitae Variant Classification Sherloc (09022015). Collection method: clinical testing. Allele origin: germline.
Comment: In summary, the available evidence is currently insufficient to determine the role of this variant in disease. Therefore, it has been classified as a Variant of Uncertain Significance. Algorithms developed to predict the effect of sequence changes on RNA splicing suggest that this variant may create or strengthen a splice site. This variant has not been reported in the literature in individuals affected with ARHGEF1-related conditions. This variant is not present in population databases (gnomAD no frequency). This sequence change falls in intron 15 of the ARHGEF1 gene. It does not directly change the encoded amino acid sequence of the ARHGEF1 protein.